The following is an entry in ClinVar:

ClinVar aggregate classification (germline): Benign/Likely benign. Review status: criteria provided, multiple submitters, no conflicts (2 of 4 stars). 5 submissions from 5 submitters: Benign (2); Likely benign (2). 1 of the submissions does not count toward it. Last evaluated 2026-01-28.

Allele frequency attached by ClinVar (database versions not stated): gnomAD 0.00510 and 0.00552; 1000 Genomes Project 0.00539; 1000 Genomes Project 30x 0.00562; TOPMed 0.00566; ESP Exome Variant Server 0.00738.
gnomAD v4.1: 1,484 of 1,613,616 alleles (0.092%); highest among the groups gnomAD compares: African/African-American, 1.7%; 12 homozygotes.

Submissions (5):

Labcorp Genetics (formerly Invitae), Labcorp
Classification: Benign. Last evaluated: 2026-01-28. Review status: criteria provided, single submitter. Criteria: Invitae Variant Classification Sherloc (09022015). Collection method: clinical testing. Allele origin: germline.

Mayo Clinic Laboratories, Mayo Clinic
Classification: Likely benign. Last evaluated: 2025-06-27. Review status: criteria provided, single submitter. Criteria: ACMG Guidelines, 2015. Collection method: clinical testing. Allele origin: germline. Observed: 2 variant alleles.
Comment: BS1, BP4_moderate

GeneDx
Classification: Likely benign. Last evaluated: 2024-08-22. Review status: criteria provided, single submitter. Criteria: GeneDx Variant Classification Process June 2021. Collection method: clinical testing. Allele origin: germline. Affected: yes.
Comment: See Variant Classification Assertion Criteria.

Breakthrough Genomics
Classification: Benign. Review status: criteria provided, single submitter. Criteria: ACMG Guidelines, 2015. Collection method: not provided. Allele origin: germline. Inheritance: Autosomal dominant inheritance. Affected: yes.

ITMI
No classification provided. Condition: AllHighlyPenetrant. Last evaluated: 2013-09-19. Review status: no classification provided. Collection method: reference population. Allele origin: germline. Not counted in ClinVar's aggregate classification.
Comment: Please see associated publication for description of ethnicities

Literature cited by the submitters: PubMed 24728327 (cited by ITMI).

NM_002067.5(GNA11):c.193G>A (p.Ala65Thr)

Gene: GNA11 (G protein subunit alpha 11; plus strand). Cytogenetic location: 19p13.3.
Variant type: single nucleotide variant.
Coding change: c.193G>A on transcript NM_002067.5 (MANE Select); coding-DNA position 193, G replaced by A.
Protein change: p.Ala65Thr; replaces alanine 65 with threonine.
Molecular consequence: missense variant.
Genome position (GRCh38, 1-based): chr19:3,110,205, G>A. VCF-style: chr19-3110205-G-A. GRCh37 (hg19) VCF-style: chr19-3110203-G-A.
Other names: p.Ala65Thr; c.193G>A (NM_002067.2); short protein forms A65T.
Identifiers: ClinVar variation 134472 (VCV000134472.15), dbSNP rs147528229, ClinGen allele CA159920.